The following is an entry in ClinVar:

NM_020800.3(IFT80):c.1583G>A (p.Arg528Gln)

Genes: IFT80 (intraflagellar transport 80; minus strand), TRIM59-IFT80 (TRIM59-IFT80 readthrough (NMD candidate); minus strand). Cytogenetic location: 3q25.33.
Variant type: single nucleotide variant.
Coding change: c.1583G>A on transcript NM_020800.3 (MANE Select); coding-DNA position 1583, G replaced by A.
Protein change: p.Arg528Gln; replaces arginine 528 with glutamine.
Molecular consequence: missense variant. On other transcripts: non-coding transcript variant (3).
Genome position (GRCh38, 1-based): chr3:160,280,748, C>T on the plus strand (G>A on the coding strand, the complement: IFT80 is on the minus strand). VCF-style: chr3-160280748-C-T. GRCh37 (hg19) VCF-style: chr3-159998536-C-T.
Other names: c.1172G>A, p.Arg391Gln (NM_001190241.2, NM_001190242.2); short protein forms R391Q, R528Q.
Identifiers: ClinVar variation 1979383 (VCV001979383.1), dbSNP rs550922501, ClinGen allele CA2685106.
Genomic context (GRCh38, chr3:160,280,748, plus strand): 5'-GTTTTAGGCAAAATGTCTCTGTCCACATAAACTGTATTGGGGTAATACCACACTATAAAT[C>T]GAGTATCTTGAAGTCCACAAAGGATATTGCATGTATCGTTCCATGCCAAAGTATGCACCA-3'
Protein context (NP_065851.1, residues 518-538): CNILCGLQDT[Arg528Gln]FIVWYYPNTV

ClinVar aggregate classification (germline): Uncertain significance (1 of 4 stars; one submission).

Conditions:
Jeune thoracic dystrophy. Also called: Jeune syndrome; Infantile thoracic dystrophy; Thoracic pelvic phalangeal dystrophy; Jeune's syndrome; Chondroectodermal dysplasia-like syndrome; Short-rib thoracic dysplasia. Identifiers: Orphanet 474, MedGen C0265275, MONDO:0018770.

Allele frequency attached by ClinVar (database versions not stated): ExAC 0.00001; gnomAD 0.00001.

Submission:

Labcorp Genetics (formerly Invitae), Labcorp
Classification: Uncertain significance for Jeune thoracic dystrophy. Last evaluated: 2022-07-02. Review status: criteria provided, single submitter. Criteria: Invitae Variant Classification Sherloc (09022015). Collection method: clinical testing. Allele origin: germline.
Comment: This sequence change replaces arginine, which is basic and polar, with glutamine, which is neutral and polar, at codon 528 of the IFT80 protein (p.Arg528Gln). This variant is present in population databases (rs550922501, gnomAD 0.002%). This variant has not been reported in the literature in individuals affected with IFT80-related conditions. Algorithms developed to predict the effect of missense changes on protein structure and function (SIFT, PolyPhen-2, Align-GVGD) all suggest that this variant is likely to be tolerated. Algorithms developed to predict the effect of sequence changes on RNA splicing suggest that this variant may disrupt the consensus splice site. In summary, the available evidence is currently insufficient to determine the role of this variant in disease. Therefore, it has been classified as a Variant of Uncertain Significance.